The following is an entry in ClinVar:

NM_032575.3(GLIS2):c.1378G>A (p.Gly460Ser)

Gene: GLIS2 (GLIS family zinc finger 2; plus strand). Cytogenetic location: 16p13.3.
Variant type: single nucleotide variant.
Coding change: c.1378G>A on transcript NM_032575.3 (MANE Select); coding-DNA position 1378, G replaced by A.
Protein change: p.Gly460Ser; replaces glycine 460 with serine.
Molecular consequence: missense variant.
Genome position (GRCh38, 1-based): chr16:4,337,327, G>A. VCF-style: chr16-4337327-G-A. GRCh37 (hg19) VCF-style: chr16-4387328-G-A.
Other names: c.1378G>A, p.Gly460Ser (NM_001318918.2); short protein forms G460S.
Identifiers: ClinVar variation 3381528 (VCV003381528.1).
Genomic context (GRCh38, chr16:4,337,327, plus strand): 5'-GGCAAGGCCGAGGGGGAGAAGGGGCGTGGGTCGGTGCCCACCAGGGCCCTGGGCATGGAG[G>A]GCCACAAGACGCCCCTTGAAAGGACGGAGAGCAGCTGCTCCCGGCCAAGCCCCGATGGAC-3'
Protein context (NP_115964.2, residues 450-470): SVPTRALGME[Gly460Ser]HKTPLERTES

ClinVar aggregate classification (germline): Uncertain significance (1 of 4 stars; one submission).

Submission:

GeneDx
Classification: Uncertain significance. Last evaluated: 2024-05-20. Review status: criteria provided, single submitter. Criteria: GeneDx Variant Classification Process June 2021. Collection method: clinical testing. Allele origin: germline. Affected: yes.
Comment: Not observed at significant frequency in large population cohorts (gnomAD); In silico analysis indicates that this missense variant does not alter protein structure/function; Has not been previously published as pathogenic or benign to our knowledge